The following is an entry in ClinVar:

ClinVar aggregate classification (germline): Uncertain significance (1 of 4 stars; one submission).

Conditions:
Singleton-Merten syndrome 1 (SGMRT1). Also called: Widened medullary cavities of bone, aortic calcification, abnormal dentition, and muscular weakness; Syndrome of widened medullary cavities of the metacarpals and phalanges, aortic calcification and abnormal dentition. Identifiers: Orphanet 85191, MedGen C4225427, MONDO:0024535, OMIM 182250.
Aicardi-Goutieres syndrome 7 (AGS7). Identifiers: Orphanet 51, MedGen C3888244, MONDO:0014367, OMIM 615846.

Submission:

Labcorp Genetics (formerly Invitae), Labcorp
Classification: Uncertain significance for Aicardi-Goutieres syndrome 7; Singleton-Merten syndrome 1. Last evaluated: 2023-05-26. Review status: criteria provided, single submitter. Criteria: Invitae Variant Classification Sherloc (09022015). Collection method: clinical testing. Allele origin: germline.
Comment: In summary, the available evidence is currently insufficient to determine the role of this variant in disease. Therefore, it has been classified as a Variant of Uncertain Significance. Advanced modeling of protein sequence and biophysical properties (such as structural, functional, and spatial information, amino acid conservation, physicochemical variation, residue mobility, and thermodynamic stability) has been performed at Invitae for this missense variant, however the output from this modeling did not meet the statistical confidence thresholds required to predict the impact of this variant on IFIH1 protein function. This missense change has been observed in at least one individual who was not affected with IFIH1-related conditions (Invitae). This variant has not been reported in the literature in individuals affected with IFIH1-related conditions. This variant is not present in population databases (gnomAD no frequency). This sequence change replaces lysine, which is basic and polar, with glutamic acid, which is acidic and polar, at codon 169 of the IFIH1 protein (p.Lys169Glu).

NM_022168.4(IFIH1):c.505A>G (p.Lys169Glu)

Gene: IFIH1 (interferon induced with helicase C domain 1; minus strand). Cytogenetic location: 2q24.2.
Variant type: single nucleotide variant.
Coding change: c.505A>G on transcript NM_022168.4 (MANE Select); coding-DNA position 505, A replaced by G.
Protein change: p.Lys169Glu; replaces lysine 169 with glutamic acid.
Molecular consequence: missense variant.
Genome position (GRCh38, 1-based): chr2:162,310,882, T>C on the plus strand (A>G on the coding strand, the complement: IFIH1 is on the minus strand). VCF-style: chr2-162310882-T-C. GRCh37 (hg19) VCF-style: chr2-163167392-T-C.
Other names: short protein forms K169E.
Identifiers: ClinVar variation 2943683 (VCV002943683.3), dbSNP rs201495678, ClinGen allele CA349011581.
Genomic context (GRCh38, chr2:162,310,882, plus strand): 5'-CTGTTTGACGAAGAACATTCAGAAATGCAGAGAACCAGTTTTCTTTCTGCACAATCCTTT[T>C]TAGTAGCTCTCTTACACCTGATTCATTTCCATTGTTTTCTGCAGCAGCAATCTGTTGTAA-3'
Protein context (NP_071451.2, residues 159-179): GNESGVRELL[Lys169Glu]RIVQKENWFS